The following is an entry in ClinVar:

ClinVar aggregate classification (germline): Conflicting classifications of pathogenicity. Review status: criteria provided, conflicting classifications (1 of 4 stars). 3 submissions from 3 submitters: Likely pathogenic (1); Uncertain significance (1). 1 of the submissions does not count toward it. Last evaluated 2024-03-03.

Conditions:
Palmoplantar keratoderma i, striate, focal, or diffuse. Also called: KERATOSIS PALMOPLANTARIS STRIATA I; Keratosis Palmoplantaris Striata I, AD; STRIATE PALMOPLANTAR KERATODERMA I; PALMOPLANTAR KERATODERMA I, STRIATE OR DIFFUSE; PALMOPLANTAR KERATODERMA I, FOCAL; KERATODERMA, PALMOPLANTAR, STRIATE FORM I. Identifiers: Orphanet 369999, Orphanet 370002, MedGen C2931122, MONDO:0007859, OMIM 148700.

Submissions (3):

Labcorp Genetics (formerly Invitae), Labcorp
Classification: Uncertain significance. Last evaluated: 2024-03-03. Review status: criteria provided, single submitter. Criteria: Invitae Variant Classification Sherloc (09022015). Collection method: clinical testing. Allele origin: germline.
Comment: This sequence change replaces glycine, which is neutral and non-polar, with arginine, which is basic and polar, at codon 562 of the DSG1 protein (p.Gly562Arg). This variant is not present in population databases (gnomAD no frequency). This missense change has been observed in individual(s) with erythrokeratoderma variabilis and/or severe dermatitis, multiple allergies, and metabolic wasting syndrome (PMID: 11122035, 30943110). ClinVar contains an entry for this variant (Variation ID: 872392). Advanced modeling of protein sequence and biophysical properties (such as structural, functional, and spatial information, amino acid conservation, physicochemical variation, residue mobility, and thermodynamic stability) performed at Invitae indicates that this missense variant is not expected to disrupt DSG1 protein function with a negative predictive value of 80%. Experimental studies have shown that this missense change affects DSG1 function (PMID: 30943110, 34352264). In summary, the available evidence is currently insufficient to determine the role of this variant in disease. Therefore, it has been classified as a Variant of Uncertain Significance.

CeGaT Center for Human Genetics Tuebingen
Classification: Likely pathogenic. Last evaluated: 2019-09-01. Review status: criteria provided, single submitter. Criteria: CeGaT Center For Human Genetics Tuebingen Variant Classification Criteria Version 2. Collection method: clinical testing. Allele origin: germline. Affected: yes. Observed: 1 variant allele.

Zotz-Klimas Genetics Lab, MVZ Zotz Klimas
Classification: Uncertain significance for Palmoplantar keratoderma i, striate, focal, or diffuse. Last evaluated: 2023-11-02. Review status: no assertion criteria provided. Collection method: clinical testing. Allele origin: germline. Affected: yes. Not counted in ClinVar's aggregate classification.

Literature cited by the submitters: PubMed 11122035 (cited by Labcorp Genetics (formerly Invitae), Labcorp); PubMed 30943110 (cited by Labcorp Genetics (formerly Invitae), Labcorp); PubMed 34352264 (cited by Labcorp Genetics (formerly Invitae), Labcorp).

NM_001942.4(DSG1):c.1684G>A (p.Gly562Arg)

Gene: DSG1 (desmoglein 1; plus strand). Cytogenetic location: 18q12.1.
Variant type: single nucleotide variant.
Coding change: c.1684G>A on transcript NM_001942.4 (MANE Select); coding-DNA position 1684, G replaced by A.
Protein change: p.Gly562Arg; replaces glycine 562 with arginine.
Molecular consequence: missense variant.
Genome position (GRCh38, 1-based): chr18:31,340,022, G>A. VCF-style: chr18-31340022-G-A. GRCh37 (hg19) VCF-style: chr18-28919985-G-A.
Other names: short protein forms G562R.
Identifiers: ClinVar variation 872392 (VCV000872392.46), dbSNP rs2071779127, ClinGen allele CA402138873.